The following is an entry in ClinVar:

ClinVar aggregate classification (germline): Conflicting classifications of pathogenicity. Review status: criteria provided, conflicting classifications (1 of 4 stars). 3 submissions from 3 submitters: Uncertain significance (1); Likely benign (2). Last evaluated 2025-08-07.

Conditions:
Inborn genetic diseases. Identifiers: MedGen C0950123, MeSH D030342.

Allele frequency attached by ClinVar (database versions not stated): TOPMed 0.00012; ESP Exome Variant Server 0.00015; 1000 Genomes Project 30x 0.00016; ExAC 0.00016; gnomAD exomes 0.00017 and 0.00025; 1000 Genomes Project 0.00020; gnomAD 0.00020 and 0.00021.
gnomAD v4.1: 401 of 1,613,860 alleles (0.025%); highest among the groups gnomAD compares: Non-Finnish European, 0.027%; no homozygotes.

Submissions (3):

Labcorp Genetics (formerly Invitae), Labcorp
Classification: Uncertain significance. Last evaluated: 2025-08-07. Review status: criteria provided, single submitter. Criteria: Invitae Variant Classification Sherloc (09022015). Collection method: clinical testing. Allele origin: germline.
Comment: This sequence change replaces valine, which is neutral and non-polar, with isoleucine, which is neutral and non-polar, at codon 139 of the DNM1L protein (p.Val139Ile). This variant is present in population databases (rs150170255, gnomAD 0.09%). This variant has not been reported in the literature in individuals affected with DNM1L-related conditions. ClinVar contains an entry for this variant (Variation ID: 450132). An algorithm developed to predict the effect of missense changes on protein structure and function (PolyPhen-2) suggests that this variant is likely to be disruptive. In summary, the available evidence is currently insufficient to determine the role of this variant in disease. Therefore, it has been classified as a Variant of Uncertain Significance.

Ambry Genetics
Classification: Likely benign for Inborn genetic diseases. Last evaluated: 2022-08-26. Review status: criteria provided, single submitter. Criteria: Ambry Variant Classification Scheme 2023. Collection method: clinical testing. Allele origin: germline.

GeneDx
Classification: Likely benign. Last evaluated: 2020-09-11. Review status: criteria provided, single submitter. Criteria: GeneDx Variant Classification Process June 2021. Collection method: clinical testing. Allele origin: germline. Affected: yes.

NM_012062.5(DNM1L):c.415G>A (p.Val139Ile)

Gene: DNM1L (dynamin 1 like; plus strand). Cytogenetic location: 12p11.21.
Variant type: single nucleotide variant.
Coding change: c.415G>A on transcript NM_012062.5 (MANE Select); coding-DNA position 415, G replaced by A.
Protein change: p.Val139Ile; replaces valine 139 with isoleucine.
Molecular consequence: missense variant. On other transcripts: intron variant (1).
Genome position (GRCh38, 1-based): chr12:32,710,974, G>A. VCF-style: chr12-32710974-G-A. GRCh37 (hg19) VCF-style: chr12-32863908-G-A.
Other names: c.415G>A, p.Val139Ile (NM_001278463.2, NM_005690.5, NM_012063.4); c.454G>A, p.Val152Ile (NM_001278464.2, NM_001278465.2, NM_001330380.2); c.131+3561G>A (NM_001278466.2); short protein forms V139I, V152I.
Identifiers: ClinVar variation 450132 (VCV000450132.10), dbSNP rs150170255, ClinGen allele CA6507337.